The following is an entry in ClinVar:

NM_022437.3(ABCG8):c.111C>G (p.Tyr37Ter)

Gene: ABCG8 (ATP binding cassette subfamily G member 8; plus strand). Cytogenetic location: 2p21.
Variant type: single nucleotide variant.
Coding change: c.111C>G on transcript NM_022437.3 (MANE Select); coding-DNA position 111, C replaced by G.
Protein change: p.Tyr37Ter; replaces tyrosine 37 with a stop codon.
Molecular consequence: nonsense.
Genome position (GRCh38, 1-based): chr2:43,844,554, C>G. VCF-style: chr2-43844554-C-G. GRCh37 (hg19) VCF-style: chr2-44071693-C-G.
Other names: c.111C>G, p.Tyr37Ter (NM_001357321.2); short protein forms Y37*.
Identifiers: ClinVar variation 3721979 (VCV003721979.2).

ClinVar aggregate classification (germline): Pathogenic (1 of 4 stars; one submission).

Submission:

Labcorp Genetics (formerly Invitae), Labcorp
Classification: Pathogenic. Last evaluated: 2024-10-02. Review status: criteria provided, single submitter. Criteria: Invitae Variant Classification Sherloc (09022015). Collection method: clinical testing. Allele origin: germline.
Comment: This sequence change creates a premature translational stop signal (p.Tyr37*) in the ABCG8 gene. It is expected to result in an absent or disrupted protein product. Loss-of-function variants in ABCG8 are known to be pathogenic (PMID: 11452359, 15375183, 16029460). This variant is not present in population databases (gnomAD no frequency). This variant has not been reported in the literature in individuals affected with ABCG8-related conditions. For these reasons, this variant has been classified as Pathogenic.

Literature cited by the submitters: PubMed 11452359; PubMed 15375183; PubMed 16029460.